The following is an entry in ClinVar:

NM_019098.5(CNGB3):c.473C>A (p.Pro158His)

Gene: CNGB3 (cyclic nucleotide gated channel subunit beta 3; minus strand). Cytogenetic location: 8q21.3.
Variant type: single nucleotide variant.
Coding change: c.473C>A on transcript NM_019098.5 (MANE Select); coding-DNA position 473, C replaced by A.
Protein change: p.Pro158His; replaces proline 158 with histidine.
Molecular consequence: missense variant.
Genome position (GRCh38, 1-based): chr8:86,670,964, G>T on the plus strand (C>A on the coding strand, the complement: CNGB3 is on the minus strand). VCF-style: chr8-86670964-G-T. GRCh37 (hg19) VCF-style: chr8-87683192-G-T.
Other names: short protein forms P158H.
Identifiers: ClinVar variation 1964159 (VCV001964159.2), dbSNP rs1456633980, ClinGen allele CA371450067.
Genomic context (GRCh38, chr8:86,670,964, plus strand): 5'-CACTTCTTTCTTCCCAGTACTTGGAGGGAGCAATGCTTACCAGTTTGTGGGCTGGCTTCG[G>T]GTGAGGAGAGATCTCCCTCTACCAACTTTTTCTTGTAGAGGGCTGTTCTTTGACGCATTC-3'
Protein context (NP_061971.3, residues 148-168): KKLVEGDLSS[Pro158His]EASPQTAKPT

ClinVar aggregate classification (germline): Uncertain significance (1 of 4 stars; one submission).

Allele frequency attached by ClinVar (database versions not stated): gnomAD 0.00001.
gnomAD v4.1: 4 of 1,612,378 alleles (0.00025%); highest among the groups gnomAD compares: Non-Finnish European, 0.00034%; no homozygotes.

Submission:

Labcorp Genetics (formerly Invitae), Labcorp
Classification: Uncertain significance. Last evaluated: 2022-09-19. Review status: criteria provided, single submitter. Criteria: Invitae Variant Classification Sherloc (09022015). Collection method: clinical testing. Allele origin: germline.
Comment: This sequence change replaces proline, which is neutral and non-polar, with histidine, which is basic and polar, at codon 158 of the CNGB3 protein (p.Pro158His). This variant is not present in population databases (gnomAD no frequency). This variant has not been reported in the literature in individuals affected with CNGB3-related conditions. Advanced modeling of protein sequence and biophysical properties (such as structural, functional, and spatial information, amino acid conservation, physicochemical variation, residue mobility, and thermodynamic stability) performed at Invitae indicates that this missense variant is not expected to disrupt CNGB3 protein function. In summary, the available evidence is currently insufficient to determine the role of this variant in disease. Therefore, it has been classified as a Variant of Uncertain Significance.